The following is an entry in ClinVar:

ClinVar aggregate classification (germline): Uncertain significance (1 of 4 stars; one submission).

gnomAD v4.1: 37 of 1,614,150 alleles (0.0023%); highest among the groups gnomAD compares: South Asian, 0.0055%; no homozygotes.

Submission:

Labcorp Genetics (formerly Invitae), Labcorp
Classification: Uncertain significance. Last evaluated: 2024-09-11. Review status: criteria provided, single submitter. Criteria: Invitae Variant Classification Sherloc (09022015). Collection method: clinical testing. Allele origin: germline.
Comment: This sequence change replaces arginine, which is basic and polar, with tryptophan, which is neutral and slightly polar, at codon 1120 of the WDR62 protein (p.Arg1120Trp). This variant is present in population databases (rs748691163, gnomAD 0.006%). This variant has not been reported in the literature in individuals affected with WDR62-related conditions. Invitae Evidence Modeling of protein sequence and biophysical properties (such as structural, functional, and spatial information, amino acid conservation, physicochemical variation, residue mobility, and thermodynamic stability) indicates that this missense variant is not expected to disrupt WDR62 protein function with a negative predictive value of 95%. In summary, the available evidence is currently insufficient to determine the role of this variant in disease. Therefore, it has been classified as a Variant of Uncertain Significance.

NM_001083961.2(WDR62):c.3358C>T (p.Arg1120Trp)

Gene: WDR62 (WD repeat domain 62; plus strand). Cytogenetic location: 19q13.12.
Variant type: single nucleotide variant.
Coding change: c.3358C>T on transcript NM_001083961.2 (MANE Select); coding-DNA position 3358, C replaced by T.
Protein change: p.Arg1120Trp; replaces arginine 1120 with tryptophan.
Molecular consequence: missense variant.
Genome position (GRCh38, 1-based): chr19:36,102,970, C>T. VCF-style: chr19-36102970-C-T. GRCh37 (hg19) VCF-style: chr19-36593872-C-T.
Other names: c.3343C>T, p.Arg1115Trp (NM_001411145.1, NM_173636.5); c.3109C>T, p.Arg1037Trp (NM_001411146.1); c.3007C>T, p.Arg1003Trp (NM_001411147.1); short protein forms R1003W, R1037W, R1115W, R1120W.
Identifiers: ClinVar variation 3608230 (VCV003608230.2).